The following is an entry in ClinVar:

ClinVar aggregate classification (germline): Uncertain significance (1 of 4 stars; one submission).

Conditions:
Spermatogenic failure 18. Identifiers: MedGen C4539783, MONDO:0054615, OMIM 617576.
Ciliary dyskinesia, primary, 37 (CILD37). Also called: CILIARY DYSKINESIA, PRIMARY, 37, WITH OR WITHOUT SITUS INVERSUS. Identifiers: MedGen C4539798, MONDO:0033204, OMIM 617577.

Allele frequency attached by ClinVar (database versions not stated): gnomAD below 0.00001 and 0.00003; TOPMed 0.00002; gnomAD exomes 0.00005 and 0.00008; ExAC 0.00009.
gnomAD v4.1: 77 of 1,612,874 alleles (0.0048%); highest among the groups gnomAD compares: South Asian, 0.062%; 1 homozygote.

Submission:

Labcorp Genetics (formerly Invitae), Labcorp
Classification: Uncertain significance for Ciliary dyskinesia, primary, 37; Spermatogenic failure 18. Last evaluated: 2025-08-06. Review status: criteria provided, single submitter. Criteria: Invitae Variant Classification Sherloc (09022015). Collection method: clinical testing. Allele origin: germline.
Comment: This sequence change replaces arginine, which is basic and polar, with histidine, which is basic and polar, at codon 2124 of the DNAH1 protein (p.Arg2124His). This variant is present in population databases (rs748843812, gnomAD 0.06%). This variant has not been reported in the literature in individuals affected with DNAH1-related conditions. ClinVar contains an entry for this variant (Variation ID: 957502). Invitae Evidence Modeling of protein sequence and biophysical properties (such as structural, functional, and spatial information, amino acid conservation, physicochemical variation, residue mobility, and thermodynamic stability) indicates that this missense variant is not expected to disrupt DNAH1 protein function with a negative predictive value of 80%. In summary, the available evidence is currently insufficient to determine the role of this variant in disease. Therefore, it has been classified as a Variant of Uncertain Significance.

NM_015512.5(DNAH1):c.6371G>A (p.Arg2124His)

Gene: DNAH1 (dynein axonemal heavy chain 1; plus strand). Cytogenetic location: 3p21.1.
Variant type: single nucleotide variant.
Coding change: c.6371G>A on transcript NM_015512.5 (MANE Select); coding-DNA position 6371, G replaced by A.
Protein change: p.Arg2124His; replaces arginine 2124 with histidine.
Molecular consequence: missense variant.
Genome position (GRCh38, 1-based): chr3:52,370,589, G>A. VCF-style: chr3-52370589-G-A. GRCh37 (hg19) VCF-style: chr3-52404605-G-A.
Other names: short protein forms R2124H.
Identifiers: ClinVar variation 957502 (VCV000957502.2), dbSNP rs748843812, ClinGen allele CA2434501.